The following is an entry in ClinVar:

NM_017780.4(CHD7):c.5345del (p.Pro1782fs)

Gene: CHD7 (chromodomain helicase DNA binding protein 7; plus strand). Cytogenetic location: 8q12.2.
Variant type: Deletion.
Coding change: c.5345del on transcript NM_017780.4 (MANE Select); coding-DNA position 5345, one base deleted (C; older notation c.5345delC).
Protein change: p.Pro1782fs; shifts the reading frame from proline 1782.
Molecular consequence: frameshift variant. On other transcripts: intron variant (1).
Genome position (GRCh38, 1-based): chr8:60,849,095, C deleted; the last of 2 consecutive C bases (chr8:60,849,094-60,849,095); deleting either gives the same sequence. VCF-style (leftmost placement, unchanged base first): chr8-60849093-TC-T. GRCh37 (hg19) VCF-style: chr8-61761652-TC-T.
Other names: c.1717-13134del (NM_001316690.1); short protein forms P1782fs.
Identifiers: ClinVar variation 1326581 (VCV001326581.4), dbSNP rs2150801705, ClinGen allele CA2573053042.

ClinVar aggregate classification (germline): Pathogenic. Review status: criteria provided, multiple submitters, no conflicts (2 of 4 stars). 2 submissions from 2 submitters: Pathogenic (2). Last evaluated 2024-03-28.

Conditions:
CHARGE syndrome (CHARGE). Also called: Hittner Hirsch Kreh syndrome; CHARGE ASSOCIATION--COLOBOMA, HEART ANOMALY, CHOANAL ATRESIA, RETARDATION, GENITAL AND EAR ANOMALIES; Coloboma, heart anomaly, choanal atresia, retardation, genital and ear anomalies; CHARGE association; Hall-Hittner syndrome. Identifiers: Orphanet 138, MedGen C0265354, MONDO:0008965.

Submissions (2):

Labcorp Genetics (formerly Invitae), Labcorp
Classification: Pathogenic for CHARGE syndrome. Last evaluated: 2024-03-28. Review status: criteria provided, single submitter. Criteria: Invitae Variant Classification Sherloc (09022015). Collection method: clinical testing. Allele origin: germline.
Comment: This sequence change creates a premature translational stop signal (p.Pro1782Leufs*14) in the CHD7 gene. It is expected to result in an absent or disrupted protein product. Loss-of-function variants in CHD7 are known to be pathogenic (PMID: 22461308, 25077900). This variant is not present in population databases (gnomAD no frequency). This variant has not been reported in the literature in individuals affected with CHD7-related conditions. ClinVar contains an entry for this variant (Variation ID: 1326581). For these reasons, this variant has been classified as Pathogenic.

GeneDx
Classification: Pathogenic. Last evaluated: 2021-11-26. Review status: criteria provided, single submitter. Criteria: GeneDx Variant Classification Process June 2021. Collection method: clinical testing. Allele origin: germline. Affected: yes.
Comment: Frameshift variant predicted to result in protein truncation or nonsense mediated decay in a gene for which loss-of-function is a known mechanism of disease; Not observed at significant frequency in large population cohorts (Lek et al., 2016); Has not been previously published as pathogenic or benign to our knowledge

Literature cited by the submitters: PubMed 22461308 (cited by Labcorp Genetics (formerly Invitae), Labcorp); PubMed 25077900 (cited by Labcorp Genetics (formerly Invitae), Labcorp).